The following is an entry in ClinVar:

NM_002356.7(MARCKS):c.834C>T (p.Ala278=)

Gene: MARCKS (myristoylated alanine rich protein kinase C substrate; plus strand). Cytogenetic location: 6q21.
Variant type: single nucleotide variant.
Coding change: c.834C>T on transcript NM_002356.7 (MANE Select); coding-DNA position 834, C replaced by T.
Protein change: p.Ala278=; no amino-acid change (alanine 278 retained).
Molecular consequence: synonymous variant.
Genome position (GRCh38, 1-based): chr6:113,860,414, C>T. VCF-style: chr6-113860414-C-T. GRCh37 (hg19) VCF-style: chr6-114181590-C-T.
Identifiers: ClinVar variation 2656860 (VCV002656860.24), dbSNP rs1774877361, ClinGen allele CA451908861.

ClinVar aggregate classification (germline): Likely benign (1 of 4 stars; one submission).

Allele frequency attached by ClinVar (database versions not stated): gnomAD 0.00001.

Submission:

CeGaT Center for Human Genetics Tuebingen
Classification: Likely benign. Last evaluated: 2023-03-01. Review status: criteria provided, single submitter. Criteria: CeGaT Center For Human Genetics Tuebingen Variant Classification Criteria Version 2. Collection method: clinical testing. Allele origin: germline. Affected: yes. Observed: 1 variant allele.
Comment: MARCKS: BP4, BP7